The following is an entry in ClinVar:

ClinVar aggregate classification (germline): Uncertain significance (1 of 4 stars; one submission).

Allele frequency attached by ClinVar (database versions not stated): gnomAD 0.00006; gnomAD exomes 0.00010.
gnomAD v4.1: 122 of 1,344,840 alleles (0.0091%); highest among the groups gnomAD compares: Non-Finnish European, 0.011%; no homozygotes.

Submission:

Ambry Genetics
Classification: Uncertain significance. Last evaluated: 2026-07-01. Review status: criteria provided, single submitter. Criteria: Ambry Variant Classification Scheme 2023. Collection method: clinical testing. Allele origin: germline.
Comment: The p.G283V variant (also known as c.848G>T), located in coding exon 7 of the MEF2B gene, results from a G to T substitution at nucleotide position 848. The glycine at codon 283 is replaced by valine, an amino acid with dissimilar properties. This amino acid position is conserved. In addition, this alteration is predicted to be tolerated by in silico analysis. Based on the available evidence, the clinical significance of this variant remains unclear.

NM_001145785.2(MEF2B):c.848G>T (p.Gly283Val)

Genes: BORCS8-MEF2B (BORCS8-MEF2B readthrough; minus strand), MEF2B (myocyte enhancer factor 2B; minus strand). Cytogenetic location: 19p13.11.
Variant type: single nucleotide variant.
Coding change: c.848G>T on transcript NM_001145785.2 (MANE Select); coding-DNA position 848, G replaced by T.
Protein change: p.Gly283Val; replaces glycine 283 with valine.
Molecular consequence: missense variant. On other transcripts: non-coding transcript variant (1), intron variant (2).
Genome position (GRCh38, 1-based): chr19:19,146,306, C>A on the plus strand (G>T on the coding strand, the complement: MEF2B is on the minus strand). VCF-style: chr19-19146306-C-A. GRCh37 (hg19) VCF-style: chr19-19257115-C-A.
Other names: c.769+249G>T (NM_005919.4, NM_001367282.1); short protein forms G283V.
Identifiers: ClinVar variation 2351119 (VCV002351119.3), dbSNP rs1039419408, ClinGen allele CA306302204.